The following is an entry in ClinVar:

NM_002474.3(MYH11):c.2472C>T (p.Ala824=)

Gene: MYH11 (myosin heavy chain 11; minus strand). Cytogenetic location: 16p13.11.
Variant type: single nucleotide variant.
Coding change: c.2472C>T on transcript NM_002474.3 (MANE Select); coding-DNA position 2472, C replaced by T.
Protein change: p.Ala824=; no amino-acid change (alanine 824 retained).
Molecular consequence: synonymous variant.
Genome position (GRCh38, 1-based): chr16:15,745,177, G>A on the plus strand (C>T on the coding strand, the complement: MYH11 is on the minus strand). VCF-style: chr16-15745177-G-A. GRCh37 (hg19) VCF-style: chr16-15839034-G-A.
Other names: p.A824A:GCC>GCT; p.Ala831=; c.2493C>T, p.Ala831= (NM_001040113.2, NM_001040114.2); c.2472C>T, p.Ala824= (NM_022844.3).
Identifiers: ClinVar variation 138330 (VCV000138330.29), dbSNP rs1050113, ClinGen allele CA292274.

ClinVar aggregate classification (germline): Benign. Review status: criteria provided, multiple submitters, no conflicts (2 of 4 stars). 17 submissions from 14 submitters: Benign (17). Last evaluated 2026-02-04.

Conditions:
Cardiovascular phenotype. Identifiers: MedGen CN230736.
Visceral myopathy 2. Identifiers: MedGen C5543466, MONDO:0859157, OMIM 619350.
Megacystis-microcolon-intestinal hypoperistalsis syndrome 2. Identifiers: MedGen C5543476, MONDO:0025708, OMIM 619351.
Familial thoracic aortic aneurysm and aortic dissection (TAAD). Also called: Thoracic aortic aneurysms and dissections. Identifiers: Orphanet 91387, MedGen C4707243, MONDO:0019625.
Aortic aneurysm, familial thoracic 4 (AAT4). Also called: AORTIC ANEURYSM/AORTIC DISSECTION AND PATENT DUCTUS ARTERIOSUS. Identifiers: MedGen C1851504, MONDO:0007568, OMIM 132900.

Allele frequency attached by ClinVar (database versions not stated): ESP Exome Variant Server 0.26320; gnomAD 0.26411 and 0.26805; ExAC 0.29751; gnomAD exomes 0.29925; 1000 Genomes Project 30x 0.25031; 1000 Genomes Project 0.25359; TOPMed 0.25996.
gnomAD v4.1: 519,203 of 1,613,450 alleles (32%); highest among the groups gnomAD compares: East Asian, 43%; 86,788 homozygotes.

Submissions (17):

Labcorp Genetics (formerly Invitae), Labcorp
Classification: Benign for Aortic aneurysm, familial thoracic 4. Last evaluated: 2026-02-04. Review status: criteria provided, single submitter. Criteria: Invitae Variant Classification Sherloc (09022015). Collection method: clinical testing. Allele origin: germline.

Molecular Diagnostic Laboratory for Inherited Cardiovascular Disease, Montreal Heart Institute
Classification: Benign. Last evaluated: 2025-04-09. Review status: criteria provided, single submitter. Criteria: ACMG Guidelines, 2015. Collection method: clinical testing. Allele origin: germline. Affected: no.
Comment: BA1

Blueprint Genetics
Classification: Benign. Last evaluated: 2024-11-27. Review status: criteria provided, single submitter. Criteria: ACMG Guidelines, 2015. Collection method: clinical testing. Allele origin: germline.

All of Us Research Program, National Institutes of Health
Classification: Benign for Familial thoracic aortic aneurysm and aortic dissection. Last evaluated: 2024-10-03. Review status: criteria provided, single submitter. Criteria: ACMG Guidelines, 2015. Collection method: clinical testing. Allele origin: germline. Inheritance: Autosomal dominant inheritance. Observed: 73,343 variant alleles, 59,542 heterozygotes, 13,784 homozygotes, 17 hemizygotes.
Comment: This study involves interpretation of variants in research participants for the purpose of population health screening. Participant phenotype was not available at the time of variant classification. Additional details can be found in publication PMID: 35346344, PMCID: PMC8962531

Genome-Nilou Lab
Classification: Benign for Aortic aneurysm, familial thoracic 4. Last evaluated: 2021-09-05. Review status: criteria provided, single submitter. Criteria: ACMG Guidelines, 2015. Collection method: clinical testing. Allele origin: germline. Affected: no.

Genome-Nilou Lab
Classification: Benign for Megacystis-microcolon-intestinal hypoperistalsis syndrome 2. Last evaluated: 2021-09-05. Review status: criteria provided, single submitter. Criteria: ACMG Guidelines, 2015. Collection method: clinical testing. Allele origin: germline. Affected: no.

Genome-Nilou Lab
Classification: Benign for Visceral myopathy 2. Last evaluated: 2021-09-05. Review status: criteria provided, single submitter. Criteria: ACMG Guidelines, 2015. Collection method: clinical testing. Allele origin: germline. Affected: no.

CHEO Genetics Diagnostic Laboratory, Children's Hospital of Eastern Ontario
Classification: Benign for Familial thoracic aortic aneurysm and aortic dissection. Last evaluated: 2019-04-08. Review status: criteria provided, single submitter. Criteria: ACMG Guidelines, 2015. Collection method: clinical testing. Allele origin: germline.

Color Diagnostics, LLC DBA Color Health
Classification: Benign for Familial thoracic aortic aneurysm and aortic dissection. Last evaluated: 2018-03-16. Review status: criteria provided, single submitter. Criteria: ACMG Guidelines, 2015. Collection method: clinical testing. Allele origin: germline.

Illumina Laboratory Services, Illumina
Classification: Benign for Aortic aneurysm, familial thoracic 4. Last evaluated: 2018-01-13. Review status: criteria provided, single submitter. Criteria: ICSL Variant Classification Criteria 13 December 2019. Collection method: clinical testing. Allele origin: germline.
Comment: This variant was observed in the ICSL laboratory as part of a predisposition screen in an ostensibly healthy population. It had not been previously curated by ICSL or reported in the Human Gene Mutation Database (HGMD: prior to June 1st, 2018), and was therefore a candidate for classification through an automated scoring system. Utilizing variant allele frequency, disease prevalence and penetrance estimates, and inheritance mode, an automated score was calculated to assess if this variant is too frequent to cause the disease. Based on the score and internal cut-off values, a variant classified as benign is not then subjected to further curation. The score for this variant resulted in a classification of benign for this disease.

Ambry Genetics
Classification: Benign for Familial thoracic aortic aneurysm and aortic dissection. Last evaluated: 2015-02-19. Review status: criteria provided, single submitter. Criteria: Ambry Autosomal Dominant and X-Linked criteria (10/2015). Collection method: clinical testing. Allele origin: germline. Observed: 1 variant allele.

Ambry Genetics
Classification: Benign for Cardiovascular phenotype. Last evaluated: 2014-11-24. Review status: criteria provided, single submitter. Criteria: Ambry Autosomal Dominant and X-Linked criteria (10/2015). Collection method: clinical testing. Allele origin: germline. Observed: 1 variant allele.

Mayo Clinic Laboratories, Mayo Clinic
Classification: Benign. Last evaluated: 2014-02-13. Review status: criteria provided, single submitter. Criteria: ACMG Guidelines, 2015. Collection method: clinical testing. Allele origin: germline. Observed: 749 variant alleles.

Laboratory for Molecular Medicine, Mass General Brigham Personalized Medicine
Classification: Benign. Last evaluated: 2013-04-04. Review status: criteria provided, single submitter. Criteria: LMM Criteria. Collection method: clinical testing. Allele origin: germline. Observed: 17 variant alleles.
Comment: Ala831Ala in exon 21 of MYH11: This variant is not expected to have clinical sig nificance because it does not alter an amino acid residue and is not located wit hin the splice consensus sequence. It has been identified in 32.2% (2769/8600) o f European American chromosomes from a broad population by the NHLBI Exome Seque ncing Project (dbSNP rs1050113).

GeneDx
Classification: Benign. Last evaluated: 2012-11-05. Review status: criteria provided, single submitter. Criteria: GeneDx Variant Classification (06012015). Collection method: clinical testing. Allele origin: germline. Affected: yes.
Comment: This variant is considered likely benign or benign based on one or more of the following criteria: it is a conservative change, it occurs at a poorly conserved position in the protein, it is predicted to be benign by multiple in silico algorithms, and/or has population frequency not consistent with disease.

Breakthrough Genomics
Classification: Benign. Review status: criteria provided, single submitter. Criteria: ACMG Guidelines, 2015. Collection method: not provided. Allele origin: germline. Inheritance: Autosomal recessive inheritance. Affected: yes.

PreventionGenetics, part of Exact Sciences
Classification: Benign. Review status: criteria provided, single submitter. Criteria: ACMG Guidelines, 2015. Collection method: clinical testing. Allele origin: germline.